The following is an entry in ClinVar:

ClinVar aggregate classification (germline): Uncertain significance (1 of 4 stars; one submission).

Conditions:
Joubert syndrome. Also called: CEREBELLOPARENCHYMAL DISORDER IV; JOUBERT-BOLTSHAUSER SYNDROME; Familial aplasia of the vermis. Identifiers: Orphanet 475, MedGen C5979921, MONDO:0018772.

Allele frequency attached by ClinVar (database versions not stated): gnomAD exomes below 0.00001.
gnomAD v4.1: 4 of 1,613,896 alleles (0.00025%); highest among the groups gnomAD compares: Non-Finnish European, 0.00034%; no homozygotes.

Submission:

Labcorp Genetics (formerly Invitae), Labcorp
Classification: Uncertain significance for Joubert syndrome. Last evaluated: 2020-11-04. Review status: criteria provided, single submitter. Criteria: Invitae Variant Classification Sherloc (09022015). Collection method: clinical testing. Allele origin: germline.
Comment: This sequence change replaces valine with isoleucine at codon 150 of the AHI1 protein (p.Val150Ile). The valine residue is weakly conserved and there is a small physicochemical difference between valine and isoleucine. This variant is not present in population databases (ExAC no frequency). This variant has not been reported in the literature in individuals with AHI1-related conditions. Advanced modeling of protein sequence and biophysical properties (such as structural, functional, and spatial information, amino acid conservation, physicochemical variation, residue mobility, and thermodynamic stability) performed at Invitae indicates that this missense variant is not expected to disrupt AHI1 protein function. In summary, the available evidence is currently insufficient to determine the role of this variant in disease. Therefore, it has been classified as a Variant of Uncertain Significance.

NM_001134831.2(AHI1):c.448G>A (p.Val150Ile)

Gene: AHI1 (Abelson helper integration site 1; minus strand). Cytogenetic location: 6q23.3.
Variant type: single nucleotide variant.
Coding change: c.448G>A on transcript NM_001134831.2 (MANE Select); coding-DNA position 448, G replaced by A.
Protein change: p.Val150Ile; replaces valine 150 with isoleucine.
Molecular consequence: missense variant.
Genome position (GRCh38, 1-based): chr6:135,466,115, C>T on the plus strand (G>A on the coding strand, the complement: AHI1 is on the minus strand). VCF-style: chr6-135466115-C-T. GRCh37 (hg19) VCF-style: chr6-135787253-C-T.
Other names: c.448G>A, p.Val150Ile (NM_001134830.2, NM_001134832.2, NM_001350503.2 and 2 more transcripts); short protein forms V150I.
Identifiers: ClinVar variation 1394295 (VCV001394295.8), dbSNP rs1418948476, ClinGen allele CA365751646.